The following is an entry in ClinVar:

ClinVar aggregate classification (germline): Uncertain significance. Review status: criteria provided, multiple submitters, no conflicts (2 of 4 stars). 2 submissions from 2 submitters: Uncertain significance (2). Last evaluated 2024-11-20.

Conditions:
Inborn genetic diseases. Identifiers: MedGen C0950123, MeSH D030342.

Submissions (2):

Ambry Genetics
Classification: Uncertain significance for Inborn genetic diseases. Last evaluated: 2024-11-20. Review status: criteria provided, single submitter. Criteria: Ambry Variant Classification Scheme 2023. Collection method: clinical testing. Allele origin: germline.
Comment: The p.E1092K variant (also known as c.3274G>A), located in coding exon 15 of the MECOM gene, results from a G to A substitution at nucleotide position 3274. The glutamic acid at codon 1092 is replaced by lysine, an amino acid with similar properties. This amino acid position is conserved. In addition, this alteration is predicted to be tolerated by in silico analysis. Based on the available evidence, the clinical significance of this variant remains unclear.

Labcorp Genetics (formerly Invitae), Labcorp
Classification: Uncertain significance. Last evaluated: 2024-09-14. Review status: criteria provided, single submitter. Criteria: Invitae Variant Classification Sherloc (09022015). Collection method: clinical testing. Allele origin: germline.
Comment: This sequence change replaces glutamic acid, which is acidic and polar, with lysine, which is basic and polar, at codon 904 of the MECOM protein (p.Glu904Lys). This variant is not present in population databases (gnomAD no frequency). This variant has not been reported in the literature in individuals affected with MECOM-related conditions. An algorithm developed to predict the effect of missense changes on protein structure and function (PolyPhen-2) suggests that this variant is likely to be tolerated. In summary, the available evidence is currently insufficient to determine the role of this variant in disease. Therefore, it has been classified as a Variant of Uncertain Significance.

NM_004991.4(MECOM):c.3274G>A (p.Glu1092Lys)

Gene: MECOM (MDS1 and EVI1 complex locus; minus strand). Cytogenetic location: 3q26.2.
Variant type: single nucleotide variant.
Coding change: c.3274G>A on transcript NM_004991.4 (MANE Select); coding-DNA position 3274, G replaced by A.
Protein change: p.Glu1092Lys; replaces glutamic acid 1092 with lysine.
Molecular consequence: missense variant.
Genome position (GRCh38, 1-based): chr3:169,090,127, C>T on the plus strand (G>A on the coding strand, the complement: MECOM is on the minus strand). VCF-style: chr3-169090127-C-T. GRCh37 (hg19) VCF-style: chr3-168807915-C-T.
Other names: c.2905G>A, p.Glu969Lys (NM_001105077.4); c.2710G>A, p.Glu904Lys (NM_001105078.4, NM_001205194.2, NM_001366469.2 and 1 more transcripts); c.2686G>A, p.Glu896Lys (NM_001163999.2, NM_001366470.2); c.2683G>A, p.Glu895Lys (NM_001164000.2, NM_001366471.2, NM_001366472.2); c.3247G>A, p.Glu1083Lys (NM_001366466.2); c.2713G>A, p.Glu905Lys (NM_001366467.2, NM_001366468.2); c.2275G>A, p.Glu759Lys (NM_001366473.2); c.1711G>A, p.Glu571Lys (NM_001366474.2); short protein forms E895K, E905K, E969K, E759K, E1083K, E1092K, E896K, E571K.
Identifiers: ClinVar variation 3394261 (VCV003394261.3).
Genomic context (GRCh38, chr3:169,090,127, plus strand): 5'-CTTCATGTAAATTACTTGTCACTGGTTCCTTTCCTGTTTTTCCAGTAATATCATTGTCTT[C>T]ATCCTCCTCATCTAACAACACCTCATCTTCAACTTCTTCATCATCCAGCAAGTCTGAATT-3'
Protein context (NP_004982.2, residues 1082-1102): EDEVLLDEED[Glu1092Lys]DNDITGKTGK